The following is an entry in ClinVar:

ClinVar aggregate classification (germline): Uncertain significance. Review status: criteria provided, multiple submitters, no conflicts (2 of 4 stars). 2 submissions from 2 submitters: Uncertain significance (2). Last evaluated 2026-05-20.

Conditions:
TUB-related disorder. Also called: TUB-related condition.

Allele frequency attached by ClinVar (database versions not stated): gnomAD 0.00001; TOPMed 0.00001; ExAC 0.00002; gnomAD exomes 0.00004; ESP Exome Variant Server 0.00015.
gnomAD v4.1: 52 of 1,614,002 alleles (0.0032%); highest among the groups gnomAD compares: Non-Finnish European, 0.004%; no homozygotes.

Submissions (2):

PreventionGenetics, part of Exact Sciences
Classification: Uncertain significance for TUB-related condition. Last evaluated: 2026-05-20. Review status: criteria provided, single submitter. Criteria: ACMG Guidelines, 2015. Collection method: clinical testing. Allele origin: germline.
Comment: The TUB c.818G>A variant is predicted to result in the amino acid substitution p.Arg273His. To our knowledge, this variant has not been reported in the literature. This variant is reported in 0.016% of alleles in individuals of South Asian descent in gnomAD. At this time, the clinical significance of this variant is uncertain due to the absence of conclusive functional and genetic evidence.

Labcorp Genetics (formerly Invitae), Labcorp
Classification: Uncertain significance. Last evaluated: 2026-01-26. Review status: criteria provided, single submitter. Criteria: Invitae Variant Classification Sherloc (09022015). Collection method: clinical testing. Allele origin: germline.
Comment: This sequence change replaces arginine, which is basic and polar, with histidine, which is basic and polar, at codon 273 of the TUB protein (p.Arg273His). This variant is present in population databases (rs146854339, gnomAD 0.02%). This variant has not been reported in the literature in individuals affected with TUB-related conditions. ClinVar contains an entry for this variant (Variation ID: 1366751). An algorithm developed to predict the effect of missense changes on protein structure and function (PolyPhen-2) suggests that this variant is likely to be disruptive. In summary, the available evidence is currently insufficient to determine the role of this variant in disease. Therefore, it has been classified as a Variant of Uncertain Significance.

NM_177972.3(TUB):c.653G>A (p.Arg218His)

Genes: RIC3 (RIC3 acetylcholine receptor chaperone; minus strand), TUB (TUB bipartite transcription factor; plus strand). Cytogenetic location: 11p15.4.
Variant type: single nucleotide variant.
Coding change: c.653G>A on transcript NM_177972.3 (MANE Select); coding-DNA position 653, G replaced by A.
Protein change: p.Arg218His; replaces arginine 218 with histidine.
Molecular consequence: missense variant.
Genome position (GRCh38, 1-based): chr11:8,096,772, G>A. VCF-style: chr11-8096772-G-A. GRCh37 (hg19) VCF-style: chr11-8118319-G-A.
Other names: c.818G>A, p.Arg273His (NM_003320.5); c.818G>A (NM_003320.4); short protein forms R218H, R273H.
Identifiers: ClinVar variation 1366751 (VCV001366751.5), dbSNP rs146854339, ClinGen allele CA5871179.
Genomic context (GRCh38, chr11:8,096,772, plus strand): 5'-AGGATGAGGAGGATGAGGAGGAGAATAGCTCCAGCTCCTCCCAGCTAAATAGTAACACCC[G>A]CCCCAGCTCTGCTACTAGCAGGAAGTCCGTCAGGGTGAGTGAGTGAGTCTGCATCCACAG-3'
Protein context (NP_813977.1, residues 208-228): SSSSQLNSNT[Arg218His]PSSATSRKSV